The following is an entry in ClinVar:

NM_002948.5(RPL15):c.310-2A>G

Genes: NKIRAS1 (NFKB inhibitor interacting Ras like 1; minus strand), RPL15 (ribosomal protein L15; plus strand). Cytogenetic location: 3p24.2.
Variant type: single nucleotide variant.
Coding change: c.310-2A>G on transcript NM_002948.5 (MANE Select); the canonical splice acceptor site of the intron before coding-DNA position 310, A replaced by G.
Molecular consequence: splice acceptor variant. On other transcripts: intron variant (1).
Genome position (GRCh38, 1-based): chr3:23,919,194, A>G. VCF-style: chr3-23919194-A-G. GRCh37 (hg19) VCF-style: chr3-23960685-A-G.
Other names: c.-139-7744T>C (NM_001377380.1); c.310-2A>G (NM_001253384.2, NM_001253379.2, NM_001253380.2 and 2 more transcripts).
Identifiers: ClinVar variation 280195 (VCV000280195.4), dbSNP rs886041445, ClinGen allele CA10602902.

ClinVar aggregate classification (germline): Pathogenic (1 of 4 stars; one submission).

Submission:

GeneDx
Classification: Pathogenic. Last evaluated: 2016-01-13. Review status: criteria provided, single submitter. Criteria: GeneDx Variant Classification (06012015). Collection method: clinical testing. Allele origin: germline. Affected: yes.
Comment: The c.310-2A>G variant in the RPL15 gene has not been reported previously as a pathogenic variant nor as a benign variant, to our knowledge. This splice site variant destroys the canonical splice acceptor site in intron 3. It is predicted to cause abnormal gene splicing, either leading to an abnormal message that is subject to nonsense-mediated mRNA decay, or to an abnormal protein product if the message is used for protein translation. The c.310-2A>G variant was not observed in approximately 6500 individuals of European and African American ancestry in the NHLBI Exome Sequencing Project, indicating it is not a common benign variant in these populations. We interpret c.310-2A>G as a pathogenic variant.